The following is an entry in ClinVar:

NM_005251.3(FOXC2):c.769C>T (p.Pro257Ser)

Gene: FOXC2 (forkhead box C2; plus strand). Cytogenetic location: 16q24.1.
Variant type: single nucleotide variant.
Coding change: c.769C>T on transcript NM_005251.3 (MANE Select); coding-DNA position 769, C replaced by T.
Protein change: p.Pro257Ser; replaces proline 257 with serine.
Molecular consequence: missense variant.
Genome position (GRCh38, 1-based): chr16:86,568,104, C>T. VCF-style: chr16-86568104-C-T. GRCh37 (hg19) VCF-style: chr16-86601710-C-T.
Other names: short protein forms P257S.
Identifiers: ClinVar variation 4873795 (VCV004873795.2).

ClinVar aggregate classification (germline): Uncertain significance (1 of 4 stars; one submission).

Submission:

CeGaT Center for Human Genetics Tuebingen
Classification: Uncertain significance. Last evaluated: 2026-05-01. Review status: criteria provided, single submitter. Criteria: CeGaT Center For Human Genetics Tuebingen Variant Classification Criteria Version 2. Collection method: clinical testing. Allele origin: germline. Affected: yes. Observed: 1 variant allele.
Comment: FOXC2: PP3